The following is an entry in ClinVar:

ClinVar aggregate classification (germline): Uncertain significance (1 of 4 stars; one submission).

Conditions:
Familial thoracic aortic aneurysm and aortic dissection (TAAD). Also called: Thoracic aortic aneurysms and dissections. Identifiers: Orphanet 91387, MedGen C4707243, MONDO:0019625.

Allele frequency attached by ClinVar (database versions not stated): gnomAD exomes below 0.00001; TOPMed below 0.00001.
gnomAD v4.1: 1 of 1,559,878 alleles (0.000064%); highest among the groups gnomAD compares: Non-Finnish European, 0.000087%; no homozygotes.

Submission:

Ambry Genetics
Classification: Uncertain significance for Familial thoracic aortic aneurysm and aortic dissection. Last evaluated: 2023-11-01. Review status: criteria provided, single submitter. Criteria: Ambry Variant Classification Scheme 2023. Collection method: clinical testing. Allele origin: germline.
Comment: The p.K284N variant (also known as c.852G>T), located in coding exon 7 of the MYLK gene, results from a G to T substitution at nucleotide position 852. The lysine at codon 284 is replaced by asparagine, an amino acid with similar properties. This amino acid position is conserved. In addition, this alteration is predicted to be tolerated by in silico analysis. Since supporting evidence is limited at this time, the clinical significance of this alteration remains unclear.

NM_053025.4(MYLK):c.852G>T (p.Lys284Asn)

Gene: MYLK (myosin light chain kinase; minus strand). Cytogenetic location: 3q21.1.
Variant type: single nucleotide variant.
Coding change: c.852G>T on transcript NM_053025.4 (MANE Select); coding-DNA position 852, G replaced by T.
Protein change: p.Lys284Asn; replaces lysine 284 with asparagine.
Molecular consequence: missense variant.
Genome position (GRCh38, 1-based): chr3:123,734,144, C>A on the plus strand (G>T on the coding strand, the complement: MYLK is on the minus strand). VCF-style: chr3-123734144-C-A. GRCh37 (hg19) VCF-style: chr3-123452991-C-A.
Other names: c.324G>T, p.Lys108Asn (NM_001321309.2); c.852G>T, p.Lys284Asn (NM_053026.4, NM_053027.4, NM_053028.4); short protein forms K284N, K108N.
Identifiers: ClinVar variation 1763762 (VCV001763762.2), dbSNP rs2062593928, ClinGen allele CA354240013.
Genomic context (GRCh38, chr3:123,734,144, plus strand): 5'-GCCACCTCTCTGGGGGCTGGAGCAGTTCTTGCTTTTGGCTGCAGCCTCCAGACTGTCCAG[C>A]TTCGACTCCTTTGAGATTACATTGGTCACCTCTTTCCTGACATCTGAATTGGTGGCTTTT-3'
Protein context (NP_444253.3, residues 274-294): EVTNVISKES[Lys284Asn]LDSLEAAAKS